The following is an entry in ClinVar:

ClinVar aggregate classification (germline): Uncertain significance (1 of 4 stars; one submission).

Conditions:
Autosomal recessive ataxia, Beauce type. Also called: ATAXIA, RECESSIVE, OF BEAUCE; Spinocerebellar ataxia, autosomal recessive 8; SYNE1-Related Autosomal Recessive Cerebellar Ataxia; SYNE1 Deficiency. Identifiers: Orphanet 88644, MedGen C1853116, MONDO:0012549, OMIM 610743.
Emery-Dreifuss muscular dystrophy 4, autosomal dominant (EDMD4). Also called: EMERY-DREIFUSS MUSCULAR DYSTROPHY 4 WITH VARIABLE FEATURES. Identifiers: Orphanet 261, MedGen C2751807, MONDO:0013071, OMIM 612998.

Allele frequency attached by ClinVar (database versions not stated): 1000 Genomes Project 30x 0.00016; 1000 Genomes Project 0.00020; gnomAD exomes below 0.00001; ExAC 0.00001; TOPMed 0.00001; gnomAD 0.00002 and 0.00003.
gnomAD v4.1: 7 of 1,614,184 alleles (0.00043%); highest among the groups gnomAD compares: Admixed American, 0.01%; no homozygotes.

Submission:

Labcorp Genetics (formerly Invitae), Labcorp
Classification: Uncertain significance for Emery-Dreifuss muscular dystrophy 4, autosomal dominant; Autosomal recessive ataxia, Beauce type. Last evaluated: 2020-09-15. Review status: criteria provided, single submitter. Criteria: Invitae Variant Classification Sherloc (09022015). Collection method: clinical testing. Allele origin: germline.
Comment: This variant has not been reported in the literature in individuals with SYNE1-related conditions. This sequence change replaces valine with isoleucine at codon 7842 of the SYNE1 protein (p.Val7842Ile). The valine residue is highly conserved and there is a small physicochemical difference between valine and isoleucine. This variant is present in population databases (rs528535664, ExAC 0.009%). Algorithms developed to predict the effect of missense changes on protein structure and function are either unavailable or do not agree on the potential impact of this missense change (SIFT: "Deleterious"; PolyPhen-2: "Benign"; Align-GVGD: "Class C0"). In summary, the available evidence is currently insufficient to determine the role of this variant in disease. Therefore, it has been classified as a Variant of Uncertain Significance.

NM_182961.4(SYNE1):c.23737G>A (p.Val7913Ile)

Gene: SYNE1 (spectrin repeat containing nuclear envelope protein 1; minus strand). Cytogenetic location: 6q25.2.
Variant type: single nucleotide variant.
Coding change: c.23737G>A on transcript NM_182961.4 (MANE Select); coding-DNA position 23737, G replaced by A.
Protein change: p.Val7913Ile; replaces valine 7913 with isoleucine.
Molecular consequence: missense variant.
Genome position (GRCh38, 1-based): chr6:152,164,216, C>T on the plus strand (G>A on the coding strand, the complement: SYNE1 is on the minus strand). VCF-style: chr6-152164216-C-T. GRCh37 (hg19) VCF-style: chr6-152485351-C-T.
Other names: c.343G>A, p.Val115Ile (NM_001347701.2); c.202G>A, p.Val68Ile (NM_001347702.2); c.23524G>A, p.Val7842Ile (NM_033071.5); short protein forms V115I, V68I, V7842I, V7913I.
Identifiers: ClinVar variation 1013642 (VCV001013642.9), dbSNP rs528535664, ClinGen allele CA4053378.